The following is an entry in ClinVar:

NM_002485.5(NBN):c.80G>C (p.Gly27Ala)

Gene: NBN (nibrin; minus strand). Cytogenetic location: 8q21.3.
Variant type: single nucleotide variant.
Coding change: c.80G>C on transcript NM_002485.5 (MANE Select); coding-DNA position 80, G replaced by C.
Protein change: p.Gly27Ala; replaces glycine 27 with alanine.
Molecular consequence: missense variant. On other transcripts: 5 prime UTR variant (1).
Genome position (GRCh38, 1-based): chr8:89,982,813, C>G on the plus strand (G>C on the coding strand, the complement: NBN is on the minus strand). VCF-style: chr8-89982813-C-G. GRCh37 (hg19) VCF-style: chr8-90995041-C-G.
Other names: c.-217G>C (NM_001024688.3); short protein forms G27A.
Identifiers: ClinVar variation 2826031 (VCV002826031.3), dbSNP rs755171159, ClinGen allele CA371663425.

ClinVar aggregate classification (germline): Uncertain significance (1 of 4 stars; one submission).

Conditions:
Microcephaly, normal intelligence and immunodeficiency (NBS). Also called: SEEMANOVA SYNDROME II; IMMUNODEFICIENCY, MICROCEPHALY, AND CHROMOSOMAL INSTABILITY; Nijmegen breakage syndrome; Microcephaly with normal intelligence immunodeficiency and lymphoreticular malignancies; Nonsyndromal microcephaly autosomal recessive with normal intelligence; Seemanova syndrome 2. Identifiers: Orphanet 647, MedGen C0398791, MONDO:0009623, OMIM 251260.

Submission:

Labcorp Genetics (formerly Invitae), Labcorp
Classification: Uncertain significance for Microcephaly, normal intelligence and immunodeficiency. Last evaluated: 2023-01-03. Review status: criteria provided, single submitter. Criteria: Invitae Variant Classification Sherloc (09022015). Collection method: clinical testing. Allele origin: germline.
Comment: In summary, the available evidence is currently insufficient to determine the role of this variant in disease. Therefore, it has been classified as a Variant of Uncertain Significance. Algorithms developed to predict the effect of missense changes on protein structure and function are either unavailable or do not agree on the potential impact of this missense change (SIFT: "Deleterious"; PolyPhen-2: "Probably Damaging"; Align-GVGD: "Class C0"). This variant has not been reported in the literature in individuals affected with NBN-related conditions. This variant is not present in population databases (gnomAD no frequency). This sequence change replaces glycine, which is neutral and non-polar, with alanine, which is neutral and non-polar, at codon 27 of the NBN protein (p.Gly27Ala).